The following is an entry in ClinVar:

NM_001005337.3(PKP1):c.1787C>T (p.Ser596Phe)

Gene: PKP1 (plakophilin 1; plus strand). Cytogenetic location: 1q32.1.
Variant type: single nucleotide variant.
Coding change: c.1787C>T on transcript NM_001005337.3 (MANE Select); coding-DNA position 1787, C replaced by T.
Protein change: p.Ser596Phe; replaces serine 596 with phenylalanine.
Molecular consequence: missense variant.
Genome position (GRCh38, 1-based): chr1:201,324,534, C>T. VCF-style: chr1-201324534-C-T. GRCh37 (hg19) VCF-style: chr1-201293662-C-T.
Other names: c.1850C>T, p.Ser617Phe (NM_000299.4); short protein forms S596F, S617F.
Identifiers: ClinVar variation 4821351 (VCV004821351.4).

ClinVar aggregate classification (germline): Uncertain significance (1 of 4 stars; one submission).

Submission:

CeGaT Center for Human Genetics Tuebingen
Classification: Uncertain significance. Last evaluated: 2026-01-01. Review status: criteria provided, single submitter. Criteria: CeGaT Center For Human Genetics Tuebingen Variant Classification Criteria Version 2. Collection method: clinical testing. Allele origin: germline. Affected: yes. Observed: 1 variant allele.
Comment: PKP1: PM2